The following is an entry in ClinVar:

NM_199069.1(NDUFAF3):c.-373G>A

Gene: NDUFAF3 (NADH:ubiquinone oxidoreductase complex assembly factor 3; plus strand). Cytogenetic location: 3p21.31.
Variant type: single nucleotide variant.
Coding change: c.-373G>A on transcript NM_199069.1; 373 bases upstream of the start codon, G replaced by A.
Molecular consequence: 5 prime UTR variant (on NM_199070.2). On other transcripts: intron variant (2).
Genome position (GRCh38, 1-based): chr3:49,021,772, G>A. VCF-style: chr3-49021772-G-A. GRCh37 (hg19) VCF-style: chr3-49059205-G-A.
Other names: c.-107G>A (NM_199070.2); c.-94-574G>A (NM_199074.2); c.-95+373G>A (NM_199073.2).
Identifiers: ClinVar variation 381886 (VCV000381886.3), dbSNP rs1050014456, ClinGen allele CA16604612.
Genomic context (GRCh38, chr3:49,021,772, plus strand): 5'-AGCCCCAAAGGCTGGAATTAGGGGCTAGAAGTCTGGCACCCACCGCCTGGCCAGGTGTTC[G>A]GGACGCGACCAGGTGGGCGGTCGCCCCGCCCCGGGAGCGCGGCTTAATAGCTGAGAGCCC-3'

ClinVar aggregate classification (germline): Likely benign (1 of 4 stars; one submission).

Allele frequency attached by ClinVar (database versions not stated): TOPMed 0.00023; 1000 Genomes Project 30x 0.00047; gnomAD exomes 0.00010; gnomAD 0.00009.
gnomAD v4.1: 32 of 318,916 alleles (0.01%); highest among the groups gnomAD compares: Middle Eastern, 0.2%; no homozygotes.

Submission:

GeneDx
Classification: Likely benign. Last evaluated: 2018-03-09. Review status: criteria provided, single submitter. Criteria: GeneDx Variant Classification (06012015). Collection method: clinical testing. Allele origin: germline. Affected: yes.
Comment: This variant is considered likely benign or benign based on one or more of the following criteria: it is a conservative change, it occurs at a poorly conserved position in the protein, it is predicted to be benign by multiple in silico algorithms, and/or has population frequency not consistent with disease.